The following is an entry in ClinVar:

GRCh38/hg38 3q13.32(chr3:119059834-119081373)x4

Gene: IGSF11 (immunoglobulin superfamily member 11; minus strand). Cytogenetic location: 3q13.32.
Variant type: copy number gain.
Change: copy number 4 of chr3:119,059,834-119,081,373 (21.5 kb, GRCh38 coordinates, 1-based), cytogenetic band 3q13.32.
Identifiers: ClinVar variation 152483 (VCV000152483.1).

ClinVar aggregate classification (germline): Benign/Likely benign (0 of 4 stars; one submission).

Submission:

GeneDx
Classification: Benign/Likely benign. Last evaluated: 2011-04-30. Review status: no assertion criteria provided. Collection method: clinical testing. Allele origin: not provided. Affected: yes. Observed: 3 variant alleles. Clinical features observed: Developmental delay AND/OR other significant developmental or morphological phenotypes.
Comment: Likely benign (1), Benign (2)